The following is an entry in ClinVar:

ClinVar aggregate classification (germline): Pathogenic (1 of 4 stars; one submission).

Conditions:
CHARGE syndrome (CHARGE). Also called: Hittner Hirsch Kreh syndrome; CHARGE ASSOCIATION--COLOBOMA, HEART ANOMALY, CHOANAL ATRESIA, RETARDATION, GENITAL AND EAR ANOMALIES; Coloboma, heart anomaly, choanal atresia, retardation, genital and ear anomalies; CHARGE association; Hall-Hittner syndrome. Identifiers: Orphanet 138, MedGen C0265354, MONDO:0008965.

Submission:

Victorian Clinical Genetics Services, Murdoch Childrens Research Institute
Classification: Pathogenic for CHD7-related CHARGE syndrome. Last evaluated: 2022-06-24. Review status: criteria provided, single submitter. Criteria: ACMG Guidelines, 2015. Collection method: clinical testing. Allele origin: germline. Inheritance: Autosomal dominant inheritance. Affected: yes.
Comment: Based on the classification scheme VCGS_Germline_v1.3.4, this variant is classified as Pathogenic. Following criteria are met: 0102 - Loss of function is a known mechanism of disease in this gene and is associated with CHARGE syndrome (MIM#214800) and hypogonadotropic hypogonadism 5 with or without anosmia (MIM#612370). (I) 0107 - This gene is associated with autosomal dominant disease. (I) 0211 - Canonical splice site variant without proven consequence on splicing (no functional evidence available). (SP) 0251 - This variant is heterozygous. (I) 0301 - Variant is absent from gnomAD (both v2 and v3). (SP) 0505 - Abnormal splicing is predicted by in silico tools and affected nucleotide is highly conserved. (SP) 0704 - Another canonical splice site variant comparable to the one identified in this case has limited previous evidence for pathogenicity. One alternative change, c.2835+1G>A, has been reported in one individual with normosmia idiopathic hypogonadotropic hypogonadism (PMID: 26141714). (SP) 0807 - This variant has no previous evidence of pathogenicity. (I) 0905 - No published segregation evidence has been identified for this variant. (I) 1007 - No published functional evidence has been identified for this variant. (SP) Legend: (SP) - Supporting pathogenic, (I) - Information, (SB) - Supporting benign

Literature cited by the submitters: PubMed 26141714.

NM_017780.4(CHD7):c.2835+1G>T

Gene: CHD7 (chromodomain helicase DNA binding protein 7; plus strand). Cytogenetic location: 8q12.2.
Variant type: single nucleotide variant.
Coding change: c.2835+1G>T on transcript NM_017780.4 (MANE Select); the canonical splice donor site of the intron after coding-DNA position 2835, G replaced by T.
Molecular consequence: splice donor variant. On other transcripts: intron variant (1).
Genome position (GRCh38, 1-based): chr8:60,821,928, G>T. VCF-style: chr8-60821928-G-T. GRCh37 (hg19) VCF-style: chr8-61734487-G-T.
Other names: c.1717-40301G>T (NM_001316690.1).
Identifiers: ClinVar variation 3254564 (VCV003254564.1), dbSNP rs2487805950.